The following is an entry in ClinVar:

ClinVar aggregate classification (germline): Conflicting classifications of pathogenicity. Review status: criteria provided, conflicting classifications (1 of 4 stars). 7 submissions from 7 submitters: Pathogenic (1); Likely pathogenic (2); Uncertain significance (4). Last evaluated 2026-05-11.

Conditions:
TRIM32-related disorder. Also called: TRIM32-related condition.
Bardet-Biedl syndrome 11 (BBS11). Identifiers: Orphanet 110, MedGen C1859569, MONDO:0014439, OMIM 615988.
Sarcotubular myopathy (LGMDR8). Also called: Limb-girdle muscular dystrophy, type 2H; MUSCULAR DYSTROPHY, LIMB-GIRDLE, AUTOSOMAL RECESSIVE 8; Autosomal recessive limb-girdle muscular dystrophy type 2H; Hutterite type of muscular dystrophy. Identifiers: Orphanet 1878, MedGen C0270968, MONDO:0009683, OMIM 254110.
Autosomal recessive limb-girdle muscular dystrophy. Identifiers: Orphanet 102015, MedGen C2931907, MONDO:0015152.
Bardet-Biedl syndrome (BBS). Identifiers: Orphanet 110, MedGen C0752166, MONDO:0015229.

Allele frequency attached by ClinVar (database versions not stated): gnomAD 0.00005; gnomAD exomes 0.00006 and 0.00008; TOPMed 0.00006; ExAC 0.00007; ESP Exome Variant Server 0.00015.
gnomAD v4.1: 123 of 1,614,038 alleles (0.0076%); highest among the groups gnomAD compares: Non-Finnish European, 0.0098%; no homozygotes.

Submissions (7):

PreventionGenetics, part of Exact Sciences
Classification: Uncertain significance for TRIM32-related condition. Last evaluated: 2026-05-11. Review status: criteria provided, single submitter. Criteria: ACMG Guidelines, 2015. Collection method: clinical testing. Allele origin: germline.
Comment: The TRIM32 c.467T>C variant is predicted to result in the amino acid substitution p.Leu156Pro. This variant was reported in an individual with nephronophthisis-related ciliopathy (Kang et al. 2016. PubMed ID: 27491411), in an obese individual (Table S1, Roberts et al. 2022. PubMed ID: 35562395), and in the compound heterozygous state in two siblings with sarcotubular myopathy (Mair et al. 2020. PubMed ID: 32419263). This variant is reported in 0.012% of alleles in individuals of European (non-Finnish) descent in gnomAD. At this time, the clinical significance of this variant is uncertain due to the absence of conclusive functional and genetic evidence.

Labcorp Genetics (formerly Invitae), Labcorp
Classification: Pathogenic for Bardet-Biedl syndrome. Last evaluated: 2025-12-23. Review status: criteria provided, single submitter. Criteria: Invitae Variant Classification Sherloc (09022015). Collection method: clinical testing. Allele origin: germline.
Comment: This sequence change replaces leucine, which is neutral and non-polar, with proline, which is neutral and non-polar, at codon 156 of the TRIM32 protein (p.Leu156Pro). This variant is present in population databases (rs145907585, gnomAD 0.01%). This missense change has been observed in individual(s) with clinical features of limb-girdle muscular dystrophy and/or nephronophthisis-related ciliopathy (PMID: 27491411, 32419263; internal data). In at least one individual the data is consistent with being in trans (on the opposite chromosome) from a pathogenic variant. It has also been observed to segregate with disease in related individuals. ClinVar contains an entry for this variant (Variation ID: 285227). An algorithm developed to predict the effect of missense changes on protein structure and function (PolyPhen-2) suggests that this variant is likely to be disruptive. For these reasons, this variant has been classified as Pathogenic.

Women's Health and Genetics/Laboratory Corporation of America, LabCorp
Classification: Likely pathogenic for Autosomal recessive limb-girdle muscular dystrophy. Last evaluated: 2025-05-22. Review status: criteria provided, single submitter. Criteria: LabCorp Variant Classification Summary - May 2015. Collection method: clinical testing. Allele origin: germline.
Comment: Variant summary: TRIM32 c.467T>C (p.Leu156Pro) results in a non-conservative amino acid change in the encoded protein sequence. Algorithms developed to predict the effect of missense changes on protein structure and function are either unavailable or do not agree on the potential impact of this missense change. The variant allele was found at a frequency of 6.4e-05 in 251106 control chromosomes. This frequency is not significantly higher than estimated for a pathogenic variant in TRIM32 causing Limb-Girdle Muscular Dystrophy, Autosomal Recessive (6.4e-05 vs 0.0013), allowing no conclusion about variant significance. c.467T>C has been observed in individual(s) affected with Limb-Girdle Muscular Dystrophy, Autosomal Recessive and segregated with disease in at least one family (Kang_2016, Mair_2020, Internal Data). These data indicate that the variant is likely to be associated with disease. To our knowledge, no experimental evidence demonstrating an impact on protein function has been reported. The following publications have been ascertained in the context of this evaluation (PMID: 27491411, 32419263). ClinVar contains an entry for this variant (Variation ID: 285227). Based on the evidence outlined above, the variant was classified as likely pathogenic.

Dasa
Classification: Uncertain significance. Last evaluated: 2025-01-17. Review status: criteria provided, single submitter. Criteria: DASA Assertion Criteria. Collection method: clinical testing. Allele origin: germline.
Comment: NM_012210.4(TRIM32):c.467T>C (p.Leu156Pro) is a missense variant that results in the substitution of leucine with proline. This variant has been reported in individuals with TRIM32-related disorders (PMID: 32419263). Also, this variant is rare in population databases. The currently available literature and clinical evidence are not sufficient to establish a definitive association between this variant and the reported condition. Therefore, this variant is classified as a variant of uncertain significance.

Fulgent Genetics
Classification: Likely pathogenic for Sarcotubular myopathy; Bardet-Biedl syndrome 11. Last evaluated: 2024-06-22. Review status: criteria provided, single submitter. Criteria: ACMG Guidelines, 2015. Collection method: clinical testing. Allele origin: germline.

Revvity Omics, Revvity
Classification: Uncertain significance. Last evaluated: 2019-08-27. Review status: criteria provided, single submitter. Criteria: ACMG Guidelines, 2015. Collection method: clinical testing. Allele origin: germline.

Eurofins Ntd Llc (ga)
Classification: Uncertain significance. Last evaluated: 2018-08-16. Review status: criteria provided, single submitter. Criteria: EGL ClinVar v180209 classification definitions. Collection method: clinical testing. Allele origin: germline. Observed: 2 variant alleles, 1 heterozygote, 1 homozygote.

Literature cited by the submitters: PubMed 27491411 (cited by Labcorp Genetics (formerly Invitae), Labcorp and Women's Health and Genetics/Laboratory Corporation of America, LabCorp); PubMed 32419263 (cited by 3 submitters).

NM_012210.4(TRIM32):c.467T>C (p.Leu156Pro)

Genes: ASTN2 (astrotactin 2; minus strand), TRIM32 (tripartite motif containing 32; plus strand). Cytogenetic location: 9q33.1.
Variant type: single nucleotide variant.
Coding change: c.467T>C on transcript NM_012210.4 (MANE Select); coding-DNA position 467, T replaced by C.
Protein change: p.Leu156Pro; replaces leucine 156 with proline.
Molecular consequence: missense variant. On other transcripts: intron variant (3).
Genome position (GRCh38, 1-based): chr9:116,698,209, T>C. VCF-style: chr9-116698209-T-C. GRCh37 (hg19) VCF-style: chr9-119460488-T-C.
Other names: c.467T>C, p.Leu156Pro (NM_001099679.2, NM_001379048.1, NM_001379049.1 and 1 more transcripts); c.2653+27562A>G (NM_014010.5); c.2794+27562A>G (NM_001365069.1); c.2806+27562A>G (NM_001365068.1); short protein forms L156P.
Identifiers: ClinVar variation 285227 (VCV000285227.29), dbSNP rs145907585, ClinGen allele CA5210987.
Genomic context (GRCh38, chr9:116,698,209, plus strand): 5'-TCCCTGTCAAAGAAGCAGCTGAGGAGCGGCGTCGGGACTTTGGAGAGAAGTTAACTCGTC[T>C]GCGGGAACTTATGGGGGAGCTGCAGCGGCGGAAGGCAGCCTTGGAAGGTGTCTCCAAGGA-3'
Protein context (NP_036342.2, residues 146-166): RRDFGEKLTR[Leu156Pro]RELMGELQRR